The following is an entry in ClinVar:

NM_001394998.1(TANC2):c.5014C>T (p.Pro1672Ser)

Gene: TANC2 (tetratricopeptide repeat, ankyrin repeat and coiled-coil containing 2; plus strand). Cytogenetic location: 17q23.3.
Variant type: single nucleotide variant.
Coding change: c.5014C>T on transcript NM_001394998.1 (MANE Select); coding-DNA position 5014, C replaced by T.
Protein change: p.Pro1672Ser; replaces proline 1672 with serine.
Molecular consequence: missense variant.
Genome position (GRCh38, 1-based): chr17:63,420,744, C>T. VCF-style: chr17-63420744-C-T. GRCh37 (hg19) VCF-style: chr17-61498105-C-T.
Other names: c.4792C>T, p.Pro1598Ser (NM_001411076.1); c.4762C>T, p.Pro1588Ser (NM_025185.4); short protein forms P1598S, P1672S, P1588S.
Identifiers: ClinVar variation 5002711 (VCV005002711.1).

ClinVar aggregate classification (germline): Uncertain significance (1 of 4 stars; one submission).

Conditions:
Intellectual developmental disorder with autistic features and language delay, with or without seizures. Identifiers: MedGen C5394447, MONDO:0030051, OMIM 618906.

Submission:

OLLIN Analises Genomicas, OLLIN
Classification: Uncertain significance for Intellectual developmental disorder with autistic features and language delay, with or without seizures. Last evaluated: 2026-08-06. Review status: criteria provided, single submitter. Criteria: ACMG Guidelines 2015 PMID 25741868. Collection method: clinical testing. Allele origin: germline. Inheritance: Autosomal dominant inheritance.
Comment: This missense variant, located in exon 28 (of 28), is absent from gnomAD and ClinVar and has not been identified in the literature. In silico analysis predicts that this variant has a tolerated effect. According to the currently available evidence, this variant has been classified as uncertain significance (PM2_P, BP4_M).